The following is an entry in ClinVar:

ClinVar aggregate classification (germline): Benign/Likely benign. Review status: criteria provided, multiple submitters, no conflicts (2 of 4 stars). 3 submissions from 3 submitters: Benign (1); Likely benign (2). Last evaluated 2026-04-01.

Conditions:
ASXL3-related disorder. Also called: ASXL3-related condition. Identifiers: MedGen CN381524.

Allele frequency attached by ClinVar (database versions not stated): ExAC 0.00016; ESP Exome Variant Server 0.00041; gnomAD 0.00046 and 0.00052.
gnomAD v4.1: 201 of 1,611,082 alleles (0.012%); highest among the groups gnomAD compares: African/African-American, 0.1%; no homozygotes.

Submissions (3):

CeGaT Center for Human Genetics Tuebingen
Classification: Likely benign. Last evaluated: 2026-04-01. Review status: criteria provided, single submitter. Criteria: CeGaT Center For Human Genetics Tuebingen Variant Classification Criteria Version 2. Collection method: clinical testing. Allele origin: germline. Affected: yes. Observed: 1 variant allele.
Comment: ASXL3: BP4, BP7, BS1

PreventionGenetics, part of Exact Sciences
Classification: Likely benign for ASXL3-related condition. Last evaluated: 2025-04-21. Review status: criteria provided, single submitter. Criteria: ACMG Guidelines, 2015. Collection method: clinical testing. Allele origin: germline.
Comment: This variant is classified as likely benign based on ACMG/AMP sequence variant interpretation guidelines (Richards et al. 2015 PMID: 25741868, with internal and published modifications).

GeneDx
Classification: Benign. Last evaluated: 2020-03-12. Review status: criteria provided, single submitter. Criteria: GeneDx Variant Classification Process June 2021. Collection method: clinical testing. Allele origin: germline. Affected: yes.

NM_030632.3(ASXL3):c.4716G>A (p.Pro1572=)

Gene: ASXL3 (ASXL transcriptional regulator 3; plus strand). Cytogenetic location: 18q12.1.
Variant type: single nucleotide variant.
Coding change: c.4716G>A on transcript NM_030632.3 (MANE Select); coding-DNA position 4716, G replaced by A.
Protein change: p.Pro1572=; no amino-acid change (proline 1572 retained).
Molecular consequence: synonymous variant.
Genome position (GRCh38, 1-based): chr18:33,744,564, G>A. VCF-style: chr18-33744564-G-A. GRCh37 (hg19) VCF-style: chr18-31324528-G-A.
Other names: c.4716G>A (NM_030632.2).
Identifiers: ClinVar variation 1250358 (VCV001250358.5), dbSNP rs377593747, ClinGen allele CA8934315.
Genomic context (GRCh38, chr18:33,744,564, plus strand): 5'-GCCGGCCACCTGCACAAGTCTCCGAGAATTACCCCTTGTTCCAGATAAATTAAATGAGCC[G>A]ACTGCTCCCAGTCATAACTTTGCTGAGCAGGCACGTGGCCCAGCTCCTTTCAAAAGTGAA-3'
Protein context (NP_085135.1, residues 1562-1582): LPLVPDKLNE[Pro1572=]TAPSHNFAEQ